The following is an entry in ClinVar:

NM_001127464.1:c.2261G>A

Gene: ZNF469 (zinc finger protein 469; plus strand).
Variant type: single nucleotide variant.
Identifiers: ClinVar variation 4615448 (VCV004615448.1).

ClinVar aggregate classification (germline): Uncertain significance (1 of 4 stars; one submission).

Conditions:
Cardiovascular phenotype. Identifiers: MedGen CN230736.

Submission:

Ambry Genetics
Classification: Uncertain significance for Cardiovascular phenotype. Last evaluated: 2025-09-28. Review status: criteria provided, single submitter. Criteria: Ambry Variant Classification Scheme 2023. Collection method: clinical testing. Allele origin: germline.
Comment: The p.G754D variant (also known as c.2261G>A), located in coding exon 1 of the ZNF469 gene, results from a G to A substitution at nucleotide position 2261. The glycine at codon 754 is replaced by aspartic acid, an amino acid with similar properties. This amino acid position is conserved. In addition, this alteration is predicted to be tolerated by in silico analysis. Based on the available evidence, the clinical significance of this variant remains unclear.